The following is an entry in ClinVar:

NM_000179.3(MSH6):c.627+9C>G

Gene: MSH6 (mutS homolog 6; plus strand). Cytogenetic location: 2p16.3.
Variant type: single nucleotide variant.
Coding change: c.627+9C>G on transcript NM_000179.3 (MANE Select); 9 bases into the intron after coding-DNA position 627, C replaced by G.
Molecular consequence: intron variant.
Genome position (GRCh38, 1-based): chr2:47,796,072, C>G. VCF-style: chr2-47796072-C-G. GRCh37 (hg19) VCF-style: chr2-48023211-C-G.
Other names: c.-279-2539C>G (NM_001281493.2); c.238-2539C>G (NM_001281492.2); c.-276+9C>G (NM_001281494.2).
Identifiers: ClinVar variation 491984 (VCV000491984.13), dbSNP rs373155872, ClinGen allele CA658683226.
Genomic context (GRCh38, chr2:47,796,072, plus strand): 5'-ATTGGCAGTTTGTGATGAGCCCTCAGAGCCAGAAGAGGAAGAAGAGATGGAGGTGGGACA[C>G]GGCAAGCATTCAGTTGTTATTTATGTTAGGGTGATGGGGGAAGAAAGGGGGAGGGTGTAT-3'

ClinVar aggregate classification (germline): Likely benign. Review status: criteria provided, multiple submitters, no conflicts (2 of 4 stars). 3 submissions from 3 submitters: Likely benign (3). Last evaluated 2025-08-20.

Conditions:
Hereditary nonpolyposis colorectal neoplasms. Identifiers: MedGen C0009405, MeSH D003123.
Hereditary cancer-predisposing syndrome. Also called: Hereditary neoplastic syndrome; Tumor predisposition; Hereditary Cancer Syndrome; Neoplastic Syndromes, Hereditary. Identifiers: Orphanet 140162, MedGen C0027672, MeSH D009386, MONDO:0015356.
Lynch syndrome 5 (LYNCH5). Also called: Colorectal cancer, hereditary nonpolyposis, type 5; Hereditary non-polyposis colorectal cancer, type 5. Identifiers: Orphanet 144, MedGen C1833477, MONDO:0013710, OMIM 614350. Disease mechanism: loss of function.

Submissions (3):

Labcorp Genetics (formerly Invitae), Labcorp
Classification: Likely benign for Hereditary nonpolyposis colorectal neoplasms. Last evaluated: 2025-08-20. Review status: criteria provided, single submitter. Criteria: Invitae Variant Classification Sherloc (09022015). Collection method: clinical testing. Allele origin: germline.

Myriad Genetics, Inc.
Classification: Likely benign for Lynch syndrome 5. Last evaluated: 2024-12-19. Review status: criteria provided, single submitter. Criteria: Myriad Autosomal Dominant, Autosomal Recessive and X-Linked Classification Criteria (2023). Collection method: clinical testing. Allele origin: unknown.
Comment: This variant is considered likely benign. This variant is intronic and is not expected to impact mRNA splicing.

Color Diagnostics, LLC DBA Color Health
Classification: Likely benign for Hereditary cancer-predisposing syndrome. Last evaluated: 2016-03-29. Review status: criteria provided, single submitter. Criteria: ACMG Guidelines, 2015. Collection method: clinical testing. Allele origin: germline.